The following is an entry in ClinVar:

NM_001282534.2(KCNK9):c.875A>C (p.Asp292Ala)

Gene: KCNK9 (potassium two pore domain channel subfamily K member 9; minus strand). Cytogenetic location: 8q24.3.
Variant type: single nucleotide variant.
Coding change: c.875A>C on transcript NM_001282534.2 (MANE Select); coding-DNA position 875, A replaced by C.
Protein change: p.Asp292Ala; replaces aspartic acid 292 with alanine.
Molecular consequence: missense variant. On other transcripts: non-coding transcript variant (1).
Genome position (GRCh38, 1-based): chr8:139,618,508, T>G on the plus strand (A>C on the coding strand, the complement: KCNK9 is on the minus strand). VCF-style: chr8-139618508-T-G. GRCh37 (hg19) VCF-style: chr8-140630751-T-G.
Other names: short protein forms D292A.
Identifiers: ClinVar variation 3363898 (VCV003363898.1).

ClinVar aggregate classification (germline): Uncertain significance (1 of 4 stars; one submission).

Submission:

GeneDx
Classification: Uncertain significance. Last evaluated: 2023-11-04. Review status: criteria provided, single submitter. Criteria: GeneDx Variant Classification Process June 2021. Collection method: clinical testing. Allele origin: germline. Affected: yes.
Comment: Not observed at significant frequency in large population cohorts (gnomAD); In silico analysis supports that this missense variant does not alter protein structure/function; Has not been previously published as pathogenic or benign to our knowledge